The following is an entry in ClinVar:

NM_002734.5(PRKAR1A):c.124C>T (p.Arg42Ter)

Gene: PRKAR1A (protein kinase cAMP-dependent type I regulatory subunit alpha; plus strand). Cytogenetic location: 17q24.2.
Variant type: single nucleotide variant.
Coding change: c.124C>T on transcript NM_002734.5 (MANE Select); coding-DNA position 124, C replaced by T.
Protein change: p.Arg42Ter; replaces arginine 42 with a stop codon.
Molecular consequence: nonsense.
Genome position (GRCh38, 1-based): chr17:68,515,523, C>T. VCF-style: chr17-68515523-C-T. GRCh37 (hg19) VCF-style: chr17-66511664-C-T.
Other names: c.124C>T, p.Arg42Ter (NM_001276289.2, NM_001276290.1, NM_001278433.2 and 4 more transcripts); short protein forms R42*.
Identifiers: ClinVar variation 41382 (VCV000041382.16), dbSNP rs281864782, ClinGen allele CA344422.

ClinVar aggregate classification (germline): Pathogenic. Review status: criteria provided, multiple submitters, no conflicts (2 of 4 stars). 2 submissions from 2 submitters: Pathogenic (2). Last evaluated 2023-06-14.

Conditions:
Carney complex, type 1 (CNC1). Also called: CARNEY MYXOMA-ENDOCRINE COMPLEX; CARNEY COMPLEX, TYPE I. Identifiers: Orphanet 1359, MedGen C2607929, MONDO:0008057, OMIM 160980.

gnomAD v4.1: 1 of 1,613,042 alleles (0.000062%); highest among the groups gnomAD compares: Non-Finnish European, 0.000085%; no homozygotes.

Submissions (2):

GeneDx
Classification: Pathogenic. Last evaluated: 2023-06-14. Review status: criteria provided, single submitter. Criteria: GeneDx Variant Classification Process June 2021. Collection method: clinical testing. Allele origin: germline. Affected: yes.
Comment: Nonsense variant predicted to result in protein truncation or nonsense mediated decay in a gene for which loss of function is a known mechanism of disease; Not observed at significant frequency in large population cohorts (gnomAD); Observed in individuals with features of Carney complex (Kirschner et al., 2000; Takigami et al., 2017); This variant is associated with the following publications: (PMID: 25525159, 11115848, 30279766)

Labcorp Genetics (formerly Invitae), Labcorp
Classification: Pathogenic for Carney complex, type 1. Last evaluated: 2020-10-07. Review status: criteria provided, single submitter. Criteria: Invitae Variant Classification Sherloc (09022015). Collection method: clinical testing. Allele origin: germline.
Comment: For these reasons, this variant has been classified as Pathogenic. Loss-of-function variants in PRKAR1A are known to be pathogenic (PMID: 11115848, 19293268). This sequence change creates a premature translational stop signal (p.Arg42*) in the PRKAR1A gene. It is expected to result in an absent or disrupted protein product. This variant is not present in population databases (ExAC no frequency). This variant has been observed in individual(s) with Carney complex (PMID: 11115848). This variant is also known as 211C>T. ClinVar contains an entry for this variant (Variation ID: 41382).

Literature cited by the submitters: PubMed 11115848 (cited by Labcorp Genetics (formerly Invitae), Labcorp); PubMed 19293268 (cited by Labcorp Genetics (formerly Invitae), Labcorp).